The following is an entry in ClinVar:

ClinVar aggregate classification (germline): Uncertain significance (1 of 4 stars; one submission).

Conditions:
Inborn genetic diseases. Identifiers: MedGen C0950123, MeSH D030342.

Submission:

Ambry Genetics
Classification: Uncertain significance for Inborn genetic diseases. Last evaluated: 2022-08-13. Review status: criteria provided, single submitter. Criteria: Ambry Variant Classification Scheme 2023. Collection method: clinical testing. Allele origin: germline.
Comment: The p.P441T variant (also known as c.1321C>A), located in coding exon 10 of the ACD gene, results from a C to A substitution at nucleotide position 1321. The proline at codon 441 is replaced by threonine, an amino acid with highly similar properties. This amino acid position is conserved. In addition, this alteration is predicted to be tolerated by in silico analysis. Since supporting evidence is limited at this time, the clinical significance of this alteration remains unclear.

NM_001082486.2(ACD):c.1063C>A (p.Pro355Thr)

Gene: ACD (ACD shelterin complex subunit and telomerase recruitment factor; minus strand). Cytogenetic location: 16q22.1.
Variant type: single nucleotide variant.
Coding change: c.1063C>A on transcript NM_001082486.2 (MANE Select); coding-DNA position 1063, C replaced by A.
Protein change: p.Pro355Thr; replaces proline 355 with threonine.
Molecular consequence: missense variant.
Genome position (GRCh38, 1-based): chr16:67,658,129, G>T on the plus strand (C>A on the coding strand, the complement: ACD is on the minus strand). VCF-style: chr16-67658129-G-T. GRCh37 (hg19) VCF-style: chr16-67692032-G-T.
Other names: c.976C>A, p.Pro326Thr (NM_001410884.1); c.1054C>A, p.Pro352Thr (NM_022914.3); short protein forms P326T, P355T, P352T.
Identifiers: ClinVar variation 1769914 (VCV001769914.2), dbSNP rs757414908, ClinGen allele CA396352284.